The following is an entry in ClinVar:

NM_153240.5(NPHP3):c.40G>A (p.Glu14Lys)

Genes: NPHP3 (nephrocystin 3; minus strand), NPHP3-ACAD11 (NPHP3-ACAD11 readthrough (NMD candidate); minus strand), NPHP3-AS1 (NPHP3 antisense RNA 1; plus strand). Cytogenetic location: 3q22.1.
Variant type: single nucleotide variant.
Coding change: c.40G>A on transcript NM_153240.5 (MANE Select); coding-DNA position 40, G replaced by A.
Protein change: p.Glu14Lys; replaces glutamic acid 14 with lysine.
Molecular consequence: missense variant. On other transcripts: non-coding transcript variant (3).
Genome position (GRCh38, 1-based): chr3:132,722,316, C>T on the plus strand (G>A on the coding strand, the complement: NPHP3 is on the minus strand). VCF-style: chr3-132722316-C-T. GRCh37 (hg19) VCF-style: chr3-132441160-C-T.
Other names: short protein forms E14K.
Identifiers: ClinVar variation 960926 (VCV000960926.10), dbSNP rs761435204, ClinGen allele CA354590218.
Genomic context (GRCh38, chr3:132,722,316, plus strand): 5'-CCTCCACCGGGATCTCGCAGGCCTCGCCGCCGCCCGCCCCGTACGTGTCCTCGATCACTT[C>T]CCCGCCCGCGGGGCTCACGAGCGACGAGGCGGTCCCCATGGCGTCCGTTGCCGCTACTAC-3'
Protein context (NP_694972.3, residues 4-24): ASSLVSPAGG[Glu14Lys]VIEDTYGAGG

ClinVar aggregate classification (germline): Uncertain significance (1 of 4 stars; one submission).

Conditions:
Nephronophthisis. Also called: Juvenile Nephronophthisis. Identifiers: Orphanet 655, MedGen C0687120, MONDO:0019005, HP:0000090.

Submission:

Labcorp Genetics (formerly Invitae), Labcorp
Classification: Uncertain significance for Nephronophthisis. Last evaluated: 2022-02-08. Review status: criteria provided, single submitter. Criteria: Invitae Variant Classification Sherloc (09022015). Collection method: clinical testing. Allele origin: germline.
Comment: In summary, the available evidence is currently insufficient to determine the role of this variant in disease. Therefore, it has been classified as a Variant of Uncertain Significance. Algorithms developed to predict the effect of missense changes on protein structure and function are either unavailable or do not agree on the potential impact of this missense change (SIFT: "Deleterious"; PolyPhen-2: "Benign"; Align-GVGD: "Class C0"). ClinVar contains an entry for this variant (Variation ID: 960926). This variant has not been reported in the literature in individuals affected with NPHP3-related conditions. This variant is not present in population databases (gnomAD no frequency). This sequence change replaces glutamic acid, which is acidic and polar, with lysine, which is basic and polar, at codon 14 of the NPHP3 protein (p.Glu14Lys).